The following is an entry in ClinVar:

NM_013450.4(BAZ2B):c.2255+1G>T

Gene: BAZ2B (bromodomain adjacent to zinc finger domain 2B; minus strand). Cytogenetic location: 2q24.2.
Variant type: single nucleotide variant.
Coding change: c.2255+1G>T on transcript NM_013450.4 (MANE Select); the canonical splice donor site of the intron after coding-DNA position 2255, G replaced by T.
Molecular consequence: splice donor variant.
Genome position (GRCh38, 1-based): chr2:159,429,199, C>A on the plus strand (G>T on the coding strand, the complement: BAZ2B is on the minus strand). VCF-style: chr2-159429199-C-A. GRCh37 (hg19) VCF-style: chr2-160285710-C-A.
Other names: c.2249+1G>T (NM_001289975.1); c.2066+1G>T (NM_001329857.2); c.2255+1G>T (NM_001329858.2).
Identifiers: ClinVar variation 4594523 (VCV004594523.1).
Genomic context (GRCh38, chr2:159,429,199, plus strand): 5'-TACATCAAACTTGCATAAATATATGGGGGAAAAAGAAAAAGGAAAACCTTATTTTGCATA[C>A]CCATATTCCAATGGAATACGCAGTTCACGTTCATCTGTTACTCTTCTTCTTTTGGAAGTG-3'

ClinVar aggregate classification (germline): Likely pathogenic (1 of 4 stars; one submission).

Conditions:
Inborn genetic diseases. Identifiers: MedGen C0950123, MeSH D030342.

Submission:

Ambry Genetics
Classification: Likely pathogenic for Inborn genetic diseases. Last evaluated: 2025-10-17. Review status: criteria provided, single submitter. Criteria: Ambry Variant Classification Scheme 2023. Collection method: clinical testing. Allele origin: germline.
Comment: The c.2255+1G>T intronic variant consists of a G to T substitution one nucleotide after exon 9 (coding exon 9) of the BAZ2B gene. Alterations that disrupt the canonical splice site are expected to cause aberrant splicing, resulting in an abnormal protein or a transcript that is subject to nonsense-mediated mRNA decay. This variant was not reported in population-based cohorts in the Genome Aggregation Database (gnomAD). This nucleotide position is highly conserved in available vertebrate species. In silico splice site analysis predicts that this alteration will weaken the native splice donor site and will result in the creation or strengthening of a novel splice donor site. Based on the available evidence, this alteration is classified as likely pathogenic.